The following is an entry in ClinVar:

ClinVar aggregate classification (germline): Uncertain significance (1 of 4 stars; one submission).

Allele frequency attached by ClinVar (database versions not stated): gnomAD exomes below 0.00001; gnomAD 0.00001.
gnomAD v4.1: 4 of 1,612,238 alleles (0.00025%); highest among the groups gnomAD compares: Non-Finnish European, 0.00034%; no homozygotes.

Submission:

Labcorp Genetics (formerly Invitae), Labcorp
Classification: Uncertain significance. Last evaluated: 2023-03-14. Review status: criteria provided, single submitter. Criteria: Invitae Variant Classification Sherloc (09022015). Collection method: clinical testing. Allele origin: germline.
Comment: Advanced modeling of protein sequence and biophysical properties (such as structural, functional, and spatial information, amino acid conservation, physicochemical variation, residue mobility, and thermodynamic stability) performed at Invitae indicates that this missense variant is not expected to disrupt APOA1 protein function. This missense change has been observed in individual(s) with dyslipidemia (PMID: 32041611). This variant is not present in population databases (gnomAD no frequency). This sequence change replaces arginine, which is basic and polar, with glutamine, which is neutral and polar, at codon 19 of the APOA1 protein (p.Arg19Gln). In summary, the available evidence is currently insufficient to determine the role of this variant in disease. Therefore, it has been classified as a Variant of Uncertain Significance.

Literature cited by the submitters: PubMed 32041611.

NM_000039.3(APOA1):c.56G>A (p.Arg19Gln)

Genes: APOA1 (apolipoprotein A1; minus strand), APOA1-AS (APOA1 antisense RNA; plus strand). Cytogenetic location: 11q23.3.
Variant type: single nucleotide variant.
Coding change: c.56G>A on transcript NM_000039.3 (MANE Select); coding-DNA position 56, G replaced by A.
Protein change: p.Arg19Gln; replaces arginine 19 with glutamine.
Molecular consequence: missense variant. On other transcripts: 5 prime UTR variant (1), intron variant (2).
Genome position (GRCh38, 1-based): chr11:116,837,145, C>T on the plus strand (G>A on the coding strand, the complement: APOA1 is on the minus strand). VCF-style: chr11-116837145-C-T. GRCh37 (hg19) VCF-style: chr11-116707861-C-T.
Other names: c.56G>A, p.Arg19Gln (NM_001318017.2, NM_001318018.2, NM_001425090.1 and 1 more transcripts); c.-272G>A (NM_001425092.1); c.-128+200G>A (NM_001425091.1); c.-240-32G>A (NM_001318021.2); short protein forms R19Q.
Identifiers: ClinVar variation 2780236 (VCV002780236.3), dbSNP rs777407596, ClinGen allele CA382721459.